The following is an entry in ClinVar:

NM_004991.4(MECOM):c.1430C>G (p.Ala477Gly)

Gene: MECOM (MDS1 and EVI1 complex locus; minus strand). Cytogenetic location: 3q26.2.
Variant type: single nucleotide variant.
Coding change: c.1430C>G on transcript NM_004991.4 (MANE Select); coding-DNA position 1430, C replaced by G.
Protein change: p.Ala477Gly; replaces alanine 477 with glycine.
Molecular consequence: missense variant. On other transcripts: intron variant (2).
Genome position (GRCh38, 1-based): chr3:169,116,442, G>C on the plus strand (C>G on the coding strand, the complement: MECOM is on the minus strand). VCF-style: chr3-169116442-G-C. GRCh37 (hg19) VCF-style: chr3-168834230-G-C.
Other names: c.1061C>G, p.Ala354Gly (NM_001105077.4); c.866C>G, p.Ala289Gly (NM_001105078.4, NM_001164000.2, NM_001205194.2 and 4 more transcripts); c.869C>G, p.Ala290Gly (NM_001163999.2, NM_001366467.2, NM_001366468.2 and 1 more transcripts); c.1430C>G, p.Ala477Gly (NM_001366466.2); c.1133-675C>G (NM_001366473.2); c.569-675C>G (NM_001366474.2); short protein forms A354G, A477G, A290G, A289G.
Identifiers: ClinVar variation 4105885 (VCV004105885.2).

ClinVar aggregate classification (germline): Uncertain significance. Review status: criteria provided, multiple submitters, no conflicts (2 of 4 stars). 2 submissions from 2 submitters: Uncertain significance (2). Last evaluated 2026-01-04.

Conditions:
Inborn genetic diseases. Identifiers: MedGen C0950123, MeSH D030342.

Submissions (2):

Labcorp Genetics (formerly Invitae), Labcorp
Classification: Uncertain significance. Last evaluated: 2026-01-04. Review status: criteria provided, single submitter. Criteria: Invitae Variant Classification Sherloc (09022015). Collection method: clinical testing. Allele origin: germline.
Comment: This sequence change replaces alanine, which is neutral and non-polar, with glycine, which is neutral and non-polar, at codon 289 of the MECOM protein (p.Ala289Gly). This variant is not present in population databases (gnomAD no frequency). This variant has not been reported in the literature in individuals affected with MECOM-related conditions. ClinVar contains an entry for this variant (Variation ID: 4105885). An algorithm developed to predict the effect of missense changes on protein structure and function (PolyPhen-2) suggests that this variant is likely to be tolerated. In summary, the available evidence is currently insufficient to determine the role of this variant in disease. Therefore, it has been classified as a Variant of Uncertain Significance.

Ambry Genetics
Classification: Uncertain significance for Inborn genetic diseases. Last evaluated: 2025-08-30. Review status: criteria provided, single submitter. Criteria: Ambry Variant Classification Scheme 2023. Collection method: clinical testing. Allele origin: germline.
Comment: The p.A477G variant (also known as c.1430C>G), located in coding exon 8 of the MECOM gene, results from a C to G substitution at nucleotide position 1430. The alanine at codon 477 is replaced by glycine, an amino acid with similar properties. This amino acid position is conserved. In addition, this alteration is predicted to be tolerated by in silico analysis. Based on the available evidence, the clinical significance of this variant remains unclear.